The following is an entry in ClinVar:

NM_201384.3(PLEC):c.1249G>A (p.Ala417Thr)

Genes: PLEC (plectin; minus strand), LOC130001334 (ATAC-STARR-seq lymphoblastoid silent region 19628; plus strand). Cytogenetic location: 8q24.3.
Variant type: single nucleotide variant.
Coding change: c.1249G>A on transcript NM_201384.3 (MANE Select); coding-DNA position 1249, G replaced by A.
Protein change: p.Ala417Thr; replaces alanine 417 with threonine.
Molecular consequence: missense variant.
Genome position (GRCh38, 1-based): chr8:143,934,012, C>T on the plus strand (G>A on the coding strand, the complement: PLEC is on the minus strand). VCF-style: chr8-143934012-C-T. GRCh37 (hg19) VCF-style: chr8-145008180-C-T.
Other names: c.1330G>A, p.Ala444Thr (NM_000445.5); c.1207G>A, p.Ala403Thr (NM_201378.4); c.1183G>A, p.Ala395Thr (NM_201379.3); c.1660G>A, p.Ala554Thr (NM_201380.4); c.1153G>A, p.Ala385Thr (NM_201381.3); c.1249G>A, p.Ala417Thr (NM_201382.4); c.1261G>A, p.Ala421Thr (NM_201383.3); short protein forms A444T, A385T, A395T, A417T, A403T, A421T, A554T.
Identifiers: ClinVar variation 651608 (VCV000651608.7), dbSNP rs781879136, ClinGen allele CA4928086.

ClinVar aggregate classification (germline): Uncertain significance. Review status: criteria provided, multiple submitters, no conflicts (2 of 4 stars). 2 submissions from 2 submitters: Uncertain significance (2). Last evaluated 2025-08-27.

Conditions:
Epidermolysis bullosa simplex, Ogna type (EBS5A). Also called: Pidermolysis bullosa simplex 5A, Ogna type; EPIDERMOLYSIS BULLOSA SIMPLEX 5A, OGNA TYPE. Identifiers: Orphanet 79401, MedGen C0432317, MONDO:0007555, OMIM 131950.
Epidermolysis bullosa simplex 5C, with pyloric atresia (EBS5C). Also called: Epidermolysis bullosa simplex with pyloric atresia; PLEC-Related Epidermolysis Bullosa with Pyloric Atresia; PLEC1-Related Epidermolysis Bullosa with Pyloric Atresia. Identifiers: Orphanet 158684, MedGen C2677349, MONDO:0012807, OMIM 612138.
Epidermolysis bullosa simplex with nail dystrophy (EBS5D). Identifiers: MedGen C4225309, MONDO:0014661, OMIM 616487.
Epidermolysis bullosa simplex 5B, with muscular dystrophy (EBS5B). Also called: EPIDERMOLYSIS BULLOSA SIMPLEX AND LIMB-GIRDLE MUSCULAR DYSTROPHY; Epidermolysis bullosa simplex with muscular dystrophy. Identifiers: Orphanet 257, MedGen C2931072, MONDO:0009181, OMIM 226670.
Autosomal recessive limb-girdle muscular dystrophy type 2Q (LGMDR17). Also called: MUSCULAR DYSTROPHY, LIMB-GIRDLE, AUTOSOMAL RECESSIVE 17. Identifiers: Orphanet 254361, MedGen C3150989, MONDO:0013390, OMIM 613723.

Allele frequency attached by ClinVar (database versions not stated): gnomAD exomes 0.00001 and 0.00003; ExAC 0.00003; gnomAD below 0.00001 and 0.00001.
gnomAD v4.1: 19 of 1,610,292 alleles (0.0012%); highest among the groups gnomAD compares: East Asian, 0.038%; no homozygotes.

Submissions (2):

Labcorp Genetics (formerly Invitae), Labcorp
Classification: Uncertain significance for Autosomal recessive limb-girdle muscular dystrophy type 2Q; Epidermolysis bullosa simplex, Ogna type; Epidermolysis bullosa simplex with nail dystrophy; Epidermolysis bullosa simplex 5C, with pyloric atresia; Epidermolysis bullosa simplex 5B, with muscular dystrophy. Last evaluated: 2025-08-27. Review status: criteria provided, single submitter. Criteria: Invitae Variant Classification Sherloc (09022015). Collection method: clinical testing. Allele origin: germline.
Comment: This sequence change replaces alanine, which is neutral and non-polar, with threonine, which is neutral and polar, at codon 444 of the PLEC protein (p.Ala444Thr). This variant is present in population databases (rs781879136, gnomAD 0.04%). This variant has not been reported in the literature in individuals affected with PLEC-related conditions. ClinVar contains an entry for this variant (Variation ID: 651608). An algorithm developed to predict the effect of missense changes on protein structure and function outputs the following: PolyPhen-2: "Not Available". The threonine amino acid residue is found in multiple mammalian species, which suggests that this missense change does not adversely affect protein function. In summary, the available evidence is currently insufficient to determine the role of this variant in disease. Therefore, it has been classified as a Variant of Uncertain Significance.

Athena Diagnostics
Classification: Uncertain significance. Last evaluated: 2018-12-24. Review status: criteria provided, single submitter. Criteria: Athena Diagnostics Criteria. Collection method: clinical testing. Allele origin: germline.